The following is an entry in ClinVar:

NM_000548.5(TSC2):c.4161C>T (p.Ser1387=)

Gene: TSC2 (TSC complex subunit 2; plus strand). Cytogenetic location: 16p13.3.
Variant type: single nucleotide variant.
Coding change: c.4161C>T on transcript NM_000548.5 (MANE Select); coding-DNA position 4161, C replaced by T.
Protein change: p.Ser1387=; no amino-acid change (serine 1387 retained).
Molecular consequence: synonymous variant. On other transcripts: non-coding transcript variant (5).
Genome position (GRCh38, 1-based): chr16:2,084,383, C>T. VCF-style: chr16-2084383-C-T. GRCh37 (hg19) VCF-style: chr16-2134384-C-T.
Other names: c.3960C>T, p.Ser1320= (NM_001077183.3); c.4092C>T, p.Ser1364= (NM_001114382.3); c.3852C>T, p.Ser1284= (NM_001318827.2); c.3816C>T, p.Ser1272= (NM_001318829.2); c.3429C>T, p.Ser1143= (NM_001318831.2); c.3993C>T, p.Ser1331= (NM_001318832.2); c.3963C>T, p.Ser1321= (NM_001363528.2); c.4029C>T, p.Ser1343= (NM_001370404.1); and 26 more.
Identifiers: ClinVar variation 3386177 (VCV003386177.3).

ClinVar aggregate classification (germline): Benign/Likely benign. Review status: criteria provided, multiple submitters, no conflicts (2 of 4 stars). 3 submissions from 3 submitters: Benign (1); Likely benign (2). Last evaluated 2025-06-03.

Conditions:
Tuberous sclerosis syndrome (TSC). Also called: Tuberous Sclerosis Complex; Tuberous sclerosis. Identifiers: Orphanet 805, MedGen C0041341, MONDO:0001734.
Tuberous sclerosis 2 (TSC2). Identifiers: Orphanet 805, MedGen C1860707, MONDO:0013199, OMIM 613254.

gnomAD v4.1: 6 of 1,612,396 alleles (0.00037%); highest among the groups gnomAD compares: Non-Finnish European, 0.00051%; no homozygotes.

Submissions (3):

Myriad Genetics, Inc.
Classification: Benign for Tuberous sclerosis 2. Last evaluated: 2025-06-03. Review status: criteria provided, single submitter. Criteria: Myriad Autosomal Dominant, Autosomal Recessive and X-Linked Classification Criteria (2023). Collection method: clinical testing. Allele origin: unknown.
Comment: This variant is considered benign. This variant is a silent/synonymous amino acid change and it is not expected to impact splicing.

All of Us Research Program, National Institutes of Health
Classification: Likely benign for Tuberous sclerosis syndrome. Last evaluated: 2024-09-23. Review status: criteria provided, single submitter. Criteria: ACMG Guidelines, 2015. Collection method: clinical testing. Allele origin: germline. Inheritance: Autosomal dominant inheritance. Observed: 1 variant allele, 1 heterozygote.
Comment: This study involves interpretation of variants in research participants for the purpose of population health screening. Participant phenotype was not available at the time of variant classification. Additional details can be found in publication PMID: 35346344, PMCID: PMC8962531

Color Diagnostics, LLC DBA Color Health
Classification: Likely benign for Tuberous sclerosis syndrome. Last evaluated: 2024-07-16. Review status: criteria provided, single submitter. Criteria: ACMG Guidelines, 2015. Collection method: clinical testing. Allele origin: germline.